The following is an entry in ClinVar:

ClinVar aggregate classification (germline): Uncertain significance (1 of 4 stars; one submission).

Conditions:
Ataxia-telangiectasia syndrome (AT). Also called: Ataxia-telangiectasia, complementation group E; Ataxia telangiectasia (A-T); LOUIS-BAR SYNDROME; ATAXIA-TELANGIECTASIA, COMPLEMENTATION GROUP A; ATAXIA-TELANGIECTASIA, FRESNO VARIANT; Ataxia-telangiectasia, complementation group D. Identifiers: Orphanet 100, MedGen C0004135, MONDO:0008840, OMIM 208900.

Submission:

Labcorp Genetics (formerly Invitae), Labcorp
Classification: Uncertain significance for Ataxia-telangiectasia syndrome. Last evaluated: 2025-06-02. Review status: criteria provided, single submitter. Criteria: Invitae Variant Classification Sherloc (09022015). Collection method: clinical testing. Allele origin: germline.
Comment: This sequence change replaces leucine, which is neutral and non-polar, with phenylalanine, which is neutral and non-polar, at codon 1328 of the ATM protein (p.Leu1328Phe). This variant is not present in population databases (gnomAD no frequency). This variant has not been reported in the literature in individuals affected with ATM-related conditions. ClinVar contains an entry for this variant (Variation ID: 2879099). Invitae Evidence Modeling of protein sequence and biophysical properties (such as structural, functional, and spatial information, amino acid conservation, physicochemical variation, residue mobility, and thermodynamic stability) indicates that this missense variant is not expected to disrupt ATM protein function with a negative predictive value of 95%. In summary, the available evidence is currently insufficient to determine the role of this variant in disease. Therefore, it has been classified as a Variant of Uncertain Significance.

NM_000051.4(ATM):c.3984G>C (p.Leu1328Phe)

Gene: ATM (ATM serine/threonine kinase; plus strand). Cytogenetic location: 11q22.3.
Variant type: single nucleotide variant.
Coding change: c.3984G>C on transcript NM_000051.4 (MANE Select); coding-DNA position 3984, G replaced by C.
Protein change: p.Leu1328Phe; replaces leucine 1328 with phenylalanine.
Molecular consequence: missense variant.
Genome position (GRCh38, 1-based): chr11:108,284,464, G>C. VCF-style: chr11-108284464-G-C. GRCh37 (hg19) VCF-style: chr11-108155191-G-C.
Other names: c.3984G>C, p.Leu1328Phe (NM_001351834.2); short protein forms L1328F.
Identifiers: ClinVar variation 2879099 (VCV002879099.3), dbSNP rs1591646593, ClinGen allele CA382526239.
Genomic context (GRCh38, chr11:108,284,464, plus strand): 5'-GGCACAGCAAAGAGAGACTGCTACCAAGGTCTATGATATGCTTAAAAGTGAAAACTTATT[G>C]GGAAAACAGGTATGGCTTCAATTTTTATGTACTTTTCATTCCCTGAATGATATGAGATAT-3'
Protein context (NP_000042.3, residues 1318-1338): VYDMLKSENL[Leu1328Phe]GKQIDHLFIS